The following is an entry in ClinVar:

ClinVar aggregate classification (germline): other (0 of 4 stars; one submission).

Conditions:
Familial colorectal cancer. Identifiers: MedGen CN280943, MONDO:0023113. Disease mechanism: loss of function.

Submission:

Systems Biology Platform Zhejiang California International NanoSystems Institute
Classification: other for Familial colorectal cancer. Review status: no assertion criteria provided. Collection method: not provided. Allele origin: unknown.
ClinVar note: Converted during submission from cancer to other.

NM_000038.6(APC):c.1744-1921T>G

Gene: APC (APC regulator of WNT signaling pathway; plus strand). Cytogenetic location: 5q22.2.
Variant type: single nucleotide variant.
Coding change: c.1744-1921T>G on transcript NM_000038.6 (MANE Select); 1921 bases into the intron before coding-DNA position 1744, T replaced by G.
Molecular consequence: intron variant.
Genome position (GRCh38, 1-based): chr5:112,833,030, T>G. VCF-style: chr5-112833030-T-G. GRCh37 (hg19) VCF-style: chr5-112168727-T-G.
Other names: c.1744-1921T>G (NM_001354895.2, NM_001127510.3); c.1774-1921T>G (NM_001354897.2); c.1471-1921T>G (NM_001354902.2); c.1690-1921T>G (NM_001127511.3); c.1669-1921T>G (NM_001354898.2); c.1366-1921T>G (NM_001354904.2); c.895-1921T>G (NM_001354906.2); c.1798-1921T>G (NM_001354896.2); and 5 more.
Identifiers: ClinVar variation 83193 (VCV000083193.2), dbSNP rs76132650, ClinGen allele CA005789.